The following is an entry in ClinVar:

ClinVar aggregate classification (germline): Uncertain significance (1 of 4 stars; one submission).

Conditions:
Familial thoracic aortic aneurysm and aortic dissection (TAAD). Also called: Thoracic aortic aneurysms and dissections. Identifiers: Orphanet 91387, MedGen C4707243, MONDO:0019625.
Hereditary cancer-predisposing syndrome. Also called: Neoplastic Syndromes, Hereditary; Tumor predisposition; Hereditary neoplastic syndrome; Hereditary Cancer Syndrome. Identifiers: Orphanet 140162, MedGen C0027672, MeSH D009386, MONDO:0015356.

Submission:

Ambry Genetics
Classification: Uncertain significance for Hereditary cancer-predisposing syndrome; Familial thoracic aortic aneurysm and aortic dissection. Last evaluated: 2025-05-06. Review status: criteria provided, single submitter. Criteria: Ambry Variant Classification Scheme 2023. Collection method: clinical testing. Allele origin: germline.
Comment: The p.S403N variant (also known as c.1208G>A), located in coding exon 9 of the SMAD4 gene, results from a G to A substitution at nucleotide position 1208. The serine at codon 403 is replaced by asparagine, an amino acid with highly similar properties. This amino acid position is conserved. In addition, this alteration is predicted to be deleterious by in silico analysis. Based on the available evidence, the clinical significance of this variant remains unclear.

NM_005359.6(SMAD4):c.1208G>A (p.Ser403Asn)

Gene: SMAD4 (SMAD family member 4; plus strand). Cytogenetic location: 18q21.2.
Variant type: single nucleotide variant.
Coding change: c.1208G>A on transcript NM_005359.6 (MANE Select); coding-DNA position 1208, G replaced by A.
Protein change: p.Ser403Asn; replaces serine 403 with asparagine.
Molecular consequence: missense variant. On other transcripts: non-coding transcript variant (1).
Genome position (GRCh38, 1-based): chr18:51,067,087, G>A. VCF-style: chr18-51067087-G-A. GRCh37 (hg19) VCF-style: chr18-48593457-G-A.
Other names: c.1208G>A, p.Ser403Asn (NM_001407041.1, NM_001407042.1); short protein forms S403N.
Identifiers: ClinVar variation 4044452 (VCV004044452.1).
Genomic context (GRCh38, chr18:51,067,087, plus strand): 5'-TAGGCAAAGGTGTGCAGTTGGAATGTAAAGGTGAAGGTGATGTTTGGGTCAGGTGCCTTA[G>A]TGACCACGCGGTCTTTGTACAGAGTTACTACTTAGACAGAGAAGCTGGGCGTGCACCTGG-3'
Protein context (NP_005350.1, residues 393-413): GEGDVWVRCL[Ser403Asn]DHAVFVQSYY